The following is an entry in ClinVar:

NM_000478.6(ALPL):c.1073C>T (p.Ala358Val)

Gene: ALPL (alkaline phosphatase, biomineralization associated; plus strand). Cytogenetic location: 1p36.12.
Variant type: single nucleotide variant.
Coding change: c.1073C>T on transcript NM_000478.6 (MANE Select); coding-DNA position 1073, C replaced by T.
Protein change: p.Ala358Val; replaces alanine 358 with valine.
Molecular consequence: missense variant.
Genome position (GRCh38, 1-based): chr1:21,575,808, C>T. VCF-style: chr1-21575808-C-T. GRCh37 (hg19) VCF-style: chr1-21902301-C-T.
Other names: c.908C>T, p.Ala303Val (NM_001127501.4); c.842C>T, p.Ala281Val (NM_001177520.3); c.1073C>T, p.Ala358Val (NM_001369803.2, NM_001369804.2, NM_001369805.2); short protein forms A303V, A281V, A358V.
Identifiers: ClinVar variation 3705824 (VCV003705824.3).

ClinVar aggregate classification (germline): Uncertain significance. Review status: criteria provided, multiple submitters, no conflicts (2 of 4 stars). 2 submissions from 2 submitters: Uncertain significance (2). Last evaluated 2025-03-12.

gnomAD v4.1: 5 of 1,614,114 alleles (0.00031%); highest among the groups gnomAD compares: African/African-American, 0.0067%; no homozygotes.

Submissions (2):

Women's Health and Genetics/Laboratory Corporation of America, LabCorp
Classification: Uncertain significance. Last evaluated: 2025-03-12. Review status: criteria provided, single submitter. Criteria: LabCorp Variant Classification Summary - May 2015. Collection method: clinical testing. Allele origin: germline.
Comment: Variant summary: ALPL c.1073C>T (p.Ala358Val) results in a non-conservative amino acid change in the encoded protein sequence. Five of five in-silico tools predict a damaging effect of the variant on protein function. The variant was absent in 251484 control chromosomes. The available data on variant occurrences in the general population are insufficient to allow any conclusion about variant significance. To our knowledge, no occurrence of c.1073C>T in individuals affected with Hypophosphatasia and no experimental evidence demonstrating its impact on protein function have been reported. ClinVar contains an entry for this variant (Variation ID: 3705824). Based on the evidence outlined above, the variant was classified as uncertain significance.

Labcorp Genetics (formerly Invitae), Labcorp
Classification: Uncertain significance. Last evaluated: 2024-12-23. Review status: criteria provided, single submitter. Criteria: Invitae Variant Classification Sherloc (09022015). Collection method: clinical testing. Allele origin: germline.
Comment: This sequence change replaces alanine, which is neutral and non-polar, with valine, which is neutral and non-polar, at codon 358 of the ALPL protein (p.Ala358Val). This variant is present in population databases (no rsID available, gnomAD 0.01%). This variant has not been reported in the literature in individuals affected with ALPL-related conditions. Invitae Evidence Modeling of protein sequence and biophysical properties (such as structural, functional, and spatial information, amino acid conservation, physicochemical variation, residue mobility, and thermodynamic stability) indicates that this missense variant is expected to disrupt ALPL protein function with a positive predictive value of 95%. In summary, the available evidence is currently insufficient to determine the role of this variant in disease. Therefore, it has been classified as a Variant of Uncertain Significance.